The following is an entry in ClinVar:

ClinVar aggregate classification (germline): Uncertain significance (1 of 4 stars; one submission).

gnomAD v4.1: 2 of 1,613,950 alleles (0.00012%); highest among the groups gnomAD compares: Admixed American, 0.0017%; no homozygotes.

Submission:

GeneDx
Classification: Uncertain significance. Last evaluated: 2020-03-06. Review status: criteria provided, single submitter. Criteria: GeneDx Variant Classification Process June 2021. Collection method: clinical testing. Allele origin: germline. Affected: yes.
Comment: Has not been previously published as pathogenic or benign to our knowledge; Not observed in large population cohorts (Lek et al., 2016); In silico analysis supports that this missense variant has a deleterious effect on protein structure/function

NM_001161352.2(KCNMA1):c.3415C>T (p.Arg1139Trp)

Genes: KCNMA1 (potassium calcium-activated channel subfamily M alpha 1; minus strand), KCNMA1-AS1 (KCNMA1 antisense RNA 1; plus strand). Cytogenetic location: 10q22.3.
Variant type: single nucleotide variant.
Coding change: c.3415C>T on transcript NM_001161352.2 (MANE Select); coding-DNA position 3415, C replaced by T.
Protein change: p.Arg1139Trp; replaces arginine 1139 with tryptophan.
Molecular consequence: missense variant.
Genome position (GRCh38, 1-based): chr10:76,889,497, G>A on the plus strand (C>T on the coding strand, the complement: KCNMA1 is on the minus strand). VCF-style: chr10-76889497-G-A. GRCh37 (hg19) VCF-style: chr10-78649255-G-A.
Other names: c.3253C>T, p.Arg1085Trp (NM_001014797.3); c.3364C>T, p.Arg1122Trp (NM_001161353.2); c.3091C>T, p.Arg1031Trp (NM_001271518.2); c.3331C>T, p.Arg1111Trp (NM_001271519.2); c.3250C>T, p.Arg1084Trp (NM_001322829.2, NM_001322836.2); c.3343C>T, p.Arg1115Trp (NM_001322830.2); c.3241C>T, p.Arg1081Trp (NM_001322832.2, NM_002247.4); c.3334C>T, p.Arg1112Trp (NM_001322835.2, NM_001322837.2); and 1 more; short protein forms R1031W, R1081W, R1084W, R1085W, R1111W, R1112W, R1115W, R1122W.
Identifiers: ClinVar variation 1315190 (VCV001315190.2), dbSNP rs2151798038, ClinGen allele CA377403093.